The following is an entry in ClinVar:

ClinVar aggregate classification (germline): Likely benign (0 of 4 stars; one submission).

Conditions:
DCC-related disorder. Also called: DCC-related condition.

Allele frequency attached by ClinVar (database versions not stated): ExAC 0.00029; ESP Exome Variant Server 0.00069; gnomAD 0.00090; TOPMed 0.00088.
gnomAD v4.1: 295 of 1,613,952 alleles (0.018%); highest among the groups gnomAD compares: African/African-American, 0.3%; no homozygotes.

Submissions (2):

PreventionGenetics, part of Exact Sciences
Classification: Likely benign for DCC-related condition. Last evaluated: 2022-09-07. Review status: no assertion criteria provided. Collection method: clinical testing. Allele origin: germline.
Comment: This variant is classified as likely benign based on ACMG/AMP sequence variant interpretation guidelines (Richards et al. 2015 PMID: 25741868, with internal and published modifications).

Dr. Peter K. Rogan Lab, Western University
No classification provided (evidence only). Condition: Colorectal cancer. Review status: no classification provided. Collection method: in vitro. Allele origin: not applicable. Functional consequence: retained intron. Not counted in ClinVar's aggregate classification.

NM_005215.4(DCC):c.1364C>T (p.Ala455Val)

Gene: DCC (DCC netrin 1 receptor; plus strand). Cytogenetic location: 18q21.2.
Variant type: single nucleotide variant.
Coding change: c.1364C>T on transcript NM_005215.4 (MANE Select); coding-DNA position 1364, C replaced by T.
Protein change: p.Ala455Val; replaces alanine 455 with valine.
Molecular consequence: missense variant.
Genome position (GRCh38, 1-based): chr18:53,157,458, C>T. VCF-style: chr18-53157458-C-T. GRCh37 (hg19) VCF-style: chr18-50683828-C-T.
Other names: NC_000018.9:g.50683828C>T; short protein forms A455V.
Identifiers: ClinVar variation 3034874 (VCV003034874.3), dbSNP rs145985306, ClinGen allele CA8966829.
Genomic context (GRCh38, chr18:53,157,458, plus strand): 5'-TGGTCCCTGTCTTGGTTTCCAGCCGATTTGTCCGTCTCAGCTGGCGCCCACCTGCAGAAG[C>T]GAAAGGGAACATTCAAACTTTCACGGTCTTTTTCTCCAGAGAAGGTGACAACAGGTAGGT-3'
Protein context (NP_005206.2, residues 445-465): VRLSWRPPAE[Ala455Val]KGNIQTFTVF